The following is an entry in ClinVar:

NM_000124.4(ERCC6):c.2830G>A (p.Ala944Thr)

Genes: ERCC6 (ERCC excision repair 6, chromatin remodeling factor; minus strand), LOC126860933 (BRD4-independent group 4 enhancer GRCh37_chr10:50679962-50681161; plus strand). Cytogenetic location: 10q11.23.
Variant type: single nucleotide variant.
Coding change: c.2830G>A on transcript NM_000124.4 (MANE Select); coding-DNA position 2830, G replaced by A.
Protein change: p.Ala944Thr; replaces alanine 944 with threonine.
Molecular consequence: missense variant.
Genome position (GRCh38, 1-based): chr10:49,472,470, C>T on the plus strand (G>A on the coding strand, the complement: ERCC6 is on the minus strand). VCF-style: chr10-49472470-C-T. GRCh37 (hg19) VCF-style: chr10-50680516-C-T.
Other names: c.2830G>A, p.Ala944Thr (NM_001346440.2); short protein forms A944T.
Identifiers: ClinVar variation 2230004 (VCV002230004.2), dbSNP rs1251402577, ClinGen allele CA376718751.
Genomic context (GRCh38, chr10:49,472,470, plus strand): 5'-TCAGGAGCCTGTACACAGTCACTTGCTTCTTCTGGCCTATTCTCCATGCTCGCTCCCGGG[C>T]CTGCAACAGAGAGAGAGAGACCTCTCAACGAGAATCCTTCCCAATGACAAGCACTGACTA-3'
Protein context (NP_000115.1, residues 934-954): PDWNPSTDTQ[Ala944Thr]RERAWRIGQK

ClinVar aggregate classification (germline): Uncertain significance (1 of 4 stars; one submission).

Conditions:
Inborn genetic diseases. Identifiers: MedGen C0950123, MeSH D030342.

Allele frequency attached by ClinVar (database versions not stated): gnomAD exomes below 0.00001; TOPMed below 0.00001; gnomAD 0.00001.
gnomAD v4.1: 2 of 1,613,798 alleles (0.00012%); highest among the groups gnomAD compares: East Asian, 0.0022%; no homozygotes.

Submission:

Ambry Genetics
Classification: Uncertain significance for Inborn genetic diseases. Last evaluated: 2021-03-17. Review status: criteria provided, single submitter. Criteria: Ambry Variant Classification Scheme 2023. Collection method: clinical testing. Allele origin: germline.
Comment: The c.2830G>A (p.A944T) alteration is located in exon 16 (coding exon 15) of the ERCC6 gene. This alteration results from a G to A substitution at nucleotide position 2830, causing the alanine (A) at amino acid position 944 to be replaced by a threonine (T). The in silico prediction for the p.A944T alteration is inconclusive. Based on insufficient or conflicting evidence, the clinical significance of this alteration remains unclear.